The following is an entry in ClinVar:

ClinVar aggregate classification (germline): Uncertain significance (1 of 4 stars; one submission).

Allele frequency attached by ClinVar (database versions not stated): gnomAD exomes below 0.00001; ExAC 0.00001.
gnomAD v4.1: 1 of 1,614,060 alleles (0.000062%); highest among the groups gnomAD compares: African/African-American, 0.0013%; no homozygotes.

Submission:

Labcorp Genetics (formerly Invitae), Labcorp
Classification: Uncertain significance. Last evaluated: 2025-12-31. Review status: criteria provided, single submitter. Criteria: Invitae Variant Classification Sherloc (09022015). Collection method: clinical testing. Allele origin: germline.
Comment: This sequence change replaces leucine, which is neutral and non-polar, with proline, which is neutral and non-polar, at codon 55 of the ELOVL4 protein (p.Leu55Pro). This variant is present in population databases (rs749173327, gnomAD 0.007%). This variant has not been reported in the literature in individuals affected with ELOVL4-related conditions. ClinVar contains an entry for this variant (Variation ID: 1494526). Invitae Evidence Modeling of protein sequence and biophysical properties (such as structural, functional, and spatial information, amino acid conservation, physicochemical variation, residue mobility, and thermodynamic stability) has been performed for this missense variant. However, the output from this modeling did not meet the statistical confidence thresholds required to predict the impact of this variant on ELOVL4 protein function. In summary, the available evidence is currently insufficient to determine the role of this variant in disease. Therefore, it has been classified as a Variant of Uncertain Significance.

NM_022726.4(ELOVL4):c.164T>C (p.Leu55Pro)

Gene: ELOVL4 (ELOVL fatty acid elongase 4; minus strand). Cytogenetic location: 6q14.1.
Variant type: single nucleotide variant.
Coding change: c.164T>C on transcript NM_022726.4 (MANE Select); coding-DNA position 164, T replaced by C.
Protein change: p.Leu55Pro; replaces leucine 55 with proline.
Molecular consequence: missense variant.
Genome position (GRCh38, 1-based): chr6:79,926,318, A>G on the plus strand (T>C on the coding strand, the complement: ELOVL4 is on the minus strand). VCF-style: chr6-79926318-A-G. GRCh37 (hg19) VCF-style: chr6-80636035-A-G.
Other names: short protein forms L55P.
Identifiers: ClinVar variation 1494526 (VCV001494526.8), dbSNP rs749173327, ClinGen allele CA3901601.